The following is an entry in ClinVar:

ClinVar aggregate classification (germline): Pathogenic. Review status: criteria provided, multiple submitters, no conflicts (2 of 4 stars). 2 submissions from 2 submitters: Pathogenic (2). Last evaluated 2025-12-15.

Conditions:
Intellectual developmental disorder with seizures and language delay (IDDSELD). Identifiers: MedGen C5436574, MONDO:0033559, OMIM 619000.

Submissions (2):

Clinical Genetics Laboratory, University Hospital Schleswig-Holstein
Classification: Pathogenic for Intellectual developmental disorder with seizures and language delay. Last evaluated: 2025-12-15. Review status: criteria provided, single submitter. Criteria: ACMG Guidelines, 2015. Collection method: clinical testing. Allele origin: germline. Affected: yes. Observed: 1 heterozygote.
Comment: ACMG criteria applied: PM2, PS4_Supporting, PVS1

Labcorp Genetics (formerly Invitae), Labcorp
Classification: Pathogenic. Last evaluated: 2021-09-07. Review status: criteria provided, single submitter. Criteria: Invitae Variant Classification Sherloc (09022015). Collection method: clinical testing. Allele origin: germline.

NM_001353345.2(SETD1B):c.3985C>T (p.Arg1329Ter)

Gene: SETD1B (SET domain containing 1B, histone lysine methyltransferase; plus strand). Cytogenetic location: 12q24.31.
Variant type: single nucleotide variant.
Coding change: c.3985C>T on transcript NM_001353345.2 (MANE Select); coding-DNA position 3985, C replaced by T.
Protein change: p.Arg1329Ter; replaces arginine 1329 with a stop codon.
Molecular consequence: nonsense.
Genome position (GRCh38, 1-based): chr12:121,822,564, C>T. VCF-style: chr12-121822564-C-T. GRCh37 (hg19) VCF-style: chr12-122260470-C-T.
Other names: short protein forms R1329*.
Identifiers: ClinVar variation 1070120 (VCV001070120.5), dbSNP rs2137577427, ClinGen allele CA386998100.